The following is an entry in ClinVar:

ClinVar aggregate classification (germline): Likely pathogenic (1 of 4 stars; one submission).

Conditions:
Primary ciliary dyskinesia. Also called: Ciliary dyskinesia. Identifiers: Orphanet 244, MedGen C0008780, MONDO:0016575, HP:0012265.

Allele frequency attached by ClinVar (database versions not stated): gnomAD exomes below 0.00001.
gnomAD v4.1: 2 of 1,612,872 alleles (0.00012%); highest among the groups gnomAD compares: Non-Finnish European, 0.00017%; no homozygotes.

Submission:

Labcorp Genetics (formerly Invitae), Labcorp
Classification: Likely pathogenic for Primary ciliary dyskinesia. Last evaluated: 2025-09-24. Review status: criteria provided, single submitter. Criteria: Invitae Variant Classification Sherloc (09022015). Collection method: clinical testing. Allele origin: germline.
Comment: This sequence change falls in intron 1 of the RSPH9 gene. It does not directly change the encoded amino acid sequence of the RSPH9 protein. This variant is present in population databases (no rsID available, gnomAD 0.0009%). This variant has been observed in individual(s) with primary ciliary dyskinesia (internal data). ClinVar contains an entry for this variant (Variation ID: 454992). Algorithms developed to predict the effect of sequence changes on RNA splicing suggest that this variant may disrupt the consensus splice site. In summary, the currently available evidence indicates that the variant is pathogenic, but additional data are needed to prove that conclusively. Therefore, this variant has been classified as Likely Pathogenic.

NM_152732.5(RSPH9):c.228-6T>A

Gene: RSPH9 (radial spoke head component 9; plus strand). Cytogenetic location: 6p21.1.
Variant type: single nucleotide variant.
Coding change: c.228-6T>A on transcript NM_152732.5 (MANE Select); 6 bases into the intron before coding-DNA position 228, T replaced by A.
Molecular consequence: intron variant.
Genome position (GRCh38, 1-based): chr6:43,650,369, T>A. VCF-style: chr6-43650369-T-A. GRCh37 (hg19) VCF-style: chr6-43618106-T-A.
Other names: c.228-6T>A (NM_001424119.1, NM_001193341.2, NM_001424120.1 and 1 more transcripts).
Identifiers: ClinVar variation 454992 (VCV000454992.10), dbSNP rs775136764, ClinGen allele CA566814934.